The following is an entry in ClinVar:

NM_005120.3(MED12):c.1485+5G>A

Genes: MED12 (mediator complex subunit 12; plus strand), LOC126863275 (BRD4-independent group 4 enhancer GRCh37_chrX:70342400-70343599; plus strand). Cytogenetic location: Xq13.1.
Variant type: single nucleotide variant.
Coding change: c.1485+5G>A on transcript NM_005120.3 (MANE Select); 5 bases into the intron after coding-DNA position 1485, G replaced by A.
Molecular consequence: intron variant.
Genome position (GRCh38, 1-based): chrX:71,122,879, G>A. VCF-style: chrX-71122879-G-A. GRCh37 (hg19) VCF-style: chrX-70342729-G-A.
Identifiers: ClinVar variation 664929 (VCV000664929.8), dbSNP rs1006276729, ClinGen allele CA330976229.

ClinVar aggregate classification (germline): Conflicting classifications of pathogenicity. Review status: criteria provided, conflicting classifications (1 of 4 stars). 2 submissions from 2 submitters: Uncertain significance (1); Benign (1). Last evaluated 2025-12-05.

Conditions:
FG syndrome (FGS). Identifiers: MedGen C0220769, MONDO:0002010.

Allele frequency attached by ClinVar (database versions not stated): gnomAD exomes below 0.00001 and 0.00001; gnomAD 0.00001; TOPMed 0.00002.
gnomAD v4.1: 6 of 1,208,910 alleles (0.0005%); highest among the groups gnomAD compares: Admixed American, 0.0022%; no homozygotes.

Submissions (2):

Labcorp Genetics (formerly Invitae), Labcorp
Classification: Benign for FG syndrome. Last evaluated: 2025-12-05. Review status: criteria provided, single submitter. Criteria: Invitae Variant Classification Sherloc (09022015). Collection method: clinical testing. Allele origin: germline.

Women's Health and Genetics/Laboratory Corporation of America, LabCorp
Classification: Uncertain significance. Last evaluated: 2024-08-07. Review status: criteria provided, single submitter. Criteria: LabCorp Variant Classification Summary - May 2015. Collection method: clinical testing. Allele origin: germline.
Comment: Variant summary: MED12 c.1485+5G>A alters a conserved nucleotide located close to a canonical splice site and therefore could affect mRNA splicing, leading to a significantly altered protein sequence. Several computational tools predict a significant impact on normal splicing: three predict the variant slightly weakens a 5' donor site, while one predicts no significant impact on splicing. However, these predictions have yet to be confirmed by functional studies. The variant allele was found at a frequency of 5e-06 in 1203853 control chromosomes in the gnomAD database (v4.1 dataset), including 2 hemizygotes. The available data on variant occurrences in the general population are insufficient to allow any conclusion about variant significance, although the occurrences in hemizygous state suggests that the variant might be benign. To our knowledge, no occurrence of c.1485+5G>A in individuals affected with MED12-Related Disorders and no experimental evidence demonstrating its impact on protein function have been reported. ClinVar contains an entry for this variant (Variation ID: 664929). Based on the evidence outlined above, the variant was classified as VUS-possibly benign.